The following is an entry in ClinVar:

NM_001378902.1(ROS1):c.3311C>T (p.Ser1104Leu)

Gene: ROS1 (ROS proto-oncogene 1, receptor tyrosine kinase; minus strand). Cytogenetic location: 6q22.1.
Variant type: single nucleotide variant.
Coding change: c.3311C>T on transcript NM_001378902.1 (MANE Select); coding-DNA position 3311, C replaced by T.
Protein change: p.Ser1104Leu; replaces serine 1104 with leucine.
Molecular consequence: missense variant.
Genome position (GRCh38, 1-based): chr6:117,362,658, G>A on the plus strand (C>T on the coding strand, the complement: ROS1 is on the minus strand). VCF-style: chr6-117362658-G-A. GRCh37 (hg19) VCF-style: chr6-117683821-G-A.
Other names: c.3314C>T, p.Ser1105Leu (NM_001378891.1); c.3326C>T, p.Ser1109Leu (NM_002944.3); short protein forms S1104L, S1105L, S1109L.
Identifiers: ClinVar variation 3770414 (VCV003770414.13).

ClinVar aggregate classification (germline): Benign (1 of 4 stars; one submission).

gnomAD v4.1: 137,120 of 1,612,582 alleles (8.5%); highest among the groups gnomAD compares: Non-Finnish European, 9.3%; 6,394 homozygotes.

Submission:

CeGaT Center for Human Genetics Tuebingen
Classification: Benign. Last evaluated: 2025-01-01. Review status: criteria provided, single submitter. Criteria: CeGaT Center For Human Genetics Tuebingen Variant Classification Criteria Version 2. Collection method: clinical testing. Allele origin: germline. Affected: yes. Observed: 1 variant allele.
Comment: ROS1: BP4, BS1, BS2